The following is an entry in ClinVar:

NM_001205293.3(CACNA1E):c.3124A>T (p.Met1042Leu)

Gene: CACNA1E (calcium voltage-gated channel subunit alpha1 E; plus strand). Cytogenetic location: 1q25.3.
Variant type: single nucleotide variant.
Coding change: c.3124A>T on transcript NM_001205293.3 (MANE Select); coding-DNA position 3124, A replaced by T.
Protein change: p.Met1042Leu; replaces methionine 1042 with leucine.
Molecular consequence: missense variant.
Genome position (GRCh38, 1-based): chr1:181,733,612, A>T. VCF-style: chr1-181733612-A-T. GRCh37 (hg19) VCF-style: chr1-181702748-A-T.
Other names: c.3124A>T, p.Met1042Leu (NM_000721.4); c.3067A>T, p.Met1023Leu (NM_001205294.2); short protein forms M1023L, M1042L.
Identifiers: ClinVar variation 3008810 (VCV003008810.3), dbSNP rs570189573, ClinGen allele CA343621064.

ClinVar aggregate classification (germline): Uncertain significance (1 of 4 stars; one submission).

Submission:

Labcorp Genetics (formerly Invitae), Labcorp
Classification: Uncertain significance. Last evaluated: 2023-12-11. Review status: criteria provided, single submitter. Criteria: Invitae Variant Classification Sherloc (09022015). Collection method: clinical testing. Allele origin: germline.
Comment: This sequence change replaces methionine, which is neutral and non-polar, with leucine, which is neutral and non-polar, at codon 1042 of the CACNA1E protein (p.Met1042Leu). This variant is not present in population databases (gnomAD no frequency). This variant has not been reported in the literature in individuals affected with CACNA1E-related conditions. Advanced modeling of protein sequence and biophysical properties (such as structural, functional, and spatial information, amino acid conservation, physicochemical variation, residue mobility, and thermodynamic stability) performed at Invitae indicates that this missense variant is not expected to disrupt CACNA1E protein function with a negative predictive value of 95%. In summary, the available evidence is currently insufficient to determine the role of this variant in disease. Therefore, it has been classified as a Variant of Uncertain Significance.